The following is an entry in ClinVar:

ClinVar aggregate classification (germline): Uncertain significance. Review status: criteria provided, multiple submitters, no conflicts (2 of 4 stars). 3 submissions from 3 submitters: Uncertain significance (3). Last evaluated 2024-09-26.

Conditions:
Multiple endocrine neoplasia type 4. Also called: MULTIPLE ENDOCRINE NEOPLASIA, TYPE IV. Identifiers: Orphanet 276152, MedGen C1970712, MONDO:0012552, OMIM 610755.
Hereditary cancer-predisposing syndrome. Also called: Hereditary Cancer Syndrome; Hereditary neoplastic syndrome; Tumor predisposition; Neoplastic Syndromes, Hereditary. Identifiers: Orphanet 140162, MedGen C0027672, MeSH D009386, MONDO:0015356.

Allele frequency attached by ClinVar (database versions not stated): TOPMed 0.00001.

Submissions (3):

Ambry Genetics
Classification: Uncertain significance for Hereditary cancer-predisposing syndrome. Last evaluated: 2024-09-26. Review status: criteria provided, single submitter. Criteria: Ambry Variant Classification Scheme 2023. Collection method: clinical testing. Allele origin: germline.
Comment: The p.A156T variant (also known as c.466G>A), located in coding exon 1 of the CDKN1B gene, results from a G to A substitution at nucleotide position 466. The alanine at codon 156 is replaced by threonine, an amino acid with similar properties. This amino acid position is well conserved in available vertebrate species. In addition, this alteration is predicted to be tolerated by in silico analysis. Based on the available evidence, the clinical significance of this variant remains unclear.

GeneDx
Classification: Uncertain significance. Last evaluated: 2024-02-27. Review status: criteria provided, single submitter. Criteria: GeneDx Variant Classification Process June 2021. Collection method: clinical testing. Allele origin: germline. Affected: yes.
Comment: Not observed at significant frequency in large population cohorts (gnomAD); In silico analysis supports that this missense variant does not alter protein structure/function; Has not been previously published as pathogenic or benign to our knowledge

Labcorp Genetics (formerly Invitae), Labcorp
Classification: Uncertain significance for Multiple endocrine neoplasia type 4. Last evaluated: 2021-09-01. Review status: criteria provided, single submitter. Criteria: Invitae Variant Classification Sherloc (09022015). Collection method: clinical testing. Allele origin: germline.
Comment: This sequence change replaces alanine with threonine at codon 156 of the CDKN1B protein (p.Ala156Thr). The alanine residue is highly conserved and there is a small physicochemical difference between alanine and threonine. This variant is not present in population databases (ExAC no frequency). This variant has not been reported in the literature in individuals affected with CDKN1B-related conditions. Algorithms developed to predict the effect of missense changes on protein structure and function are either unavailable or do not agree on the potential impact of this missense change (SIFT: "Deleterious"; PolyPhen-2: "Possibly Damaging"; Align-GVGD: "Class C0"). In summary, the available evidence is currently insufficient to determine the role of this variant in disease. Therefore, it has been classified as a Variant of Uncertain Significance.

NM_004064.5(CDKN1B):c.466G>A (p.Ala156Thr)

Gene: CDKN1B (cyclin dependent kinase inhibitor 1B; plus strand). Cytogenetic location: 12p13.1.
Variant type: single nucleotide variant.
Coding change: c.466G>A on transcript NM_004064.5 (MANE Select); coding-DNA position 466, G replaced by A.
Protein change: p.Ala156Thr; replaces alanine 156 with threonine.
Molecular consequence: missense variant.
Genome position (GRCh38, 1-based): chr12:12,718,305, G>A. VCF-style: chr12-12718305-G-A. GRCh37 (hg19) VCF-style: chr12-12871239-G-A.
Other names: c.466G>A (NM_004064.4); short protein forms A156T.
Identifiers: ClinVar variation 1356622 (VCV001356622.9), dbSNP rs1946500374, ClinGen allele CA383970961.
Genomic context (GRCh38, chr12:12,718,305, plus strand): 5'-GATCCGTCGGACAGCCAGACGGGGTTAGCGGAGCAATGCGCAGGAATAAGGAAGCGACCT[G>A]CAACCGACGGTAATGACCCTTTCCCAACCATAGAATGTGTTTGGGGCCCCGCTTTGCCTG-3'
Protein context (NP_004055.1, residues 146-166): EQCAGIRKRP[Ala156Thr]TDDSSTQNKR